The following is an entry in ClinVar:

ClinVar aggregate classification (germline): Conflicting classifications of pathogenicity. Review status: criteria provided, conflicting classifications (1 of 4 stars). 2 submissions from 2 submitters: Uncertain significance (1); Likely benign (1). Last evaluated 2022-03-09.

Conditions:
Hereditary cancer-predisposing syndrome. Also called: Neoplastic Syndromes, Hereditary; Hereditary Cancer Syndrome; Tumor predisposition; Hereditary neoplastic syndrome. Identifiers: Orphanet 140162, MedGen C0027672, MeSH D009386, MONDO:0015356.
Bloom syndrome (BLM). Also called: Bloom-Torre-Machacek syndrome. Identifiers: Orphanet 125, MedGen C0005859, MONDO:0008876, OMIM 210900.

Allele frequency attached by ClinVar (database versions not stated): gnomAD exomes below 0.00001; TOPMed below 0.00001.
gnomAD v4.1: 2 of 1,614,126 alleles (0.00012%); highest among the groups gnomAD compares: Non-Finnish European, 0.00017%; no homozygotes.

Submissions (2):

Ambry Genetics
Classification: Likely benign for Hereditary cancer-predisposing syndrome. Last evaluated: 2022-03-09. Review status: criteria provided, single submitter. Criteria: Ambry Variant Classification Scheme 2023. Collection method: clinical testing. Allele origin: germline.

Labcorp Genetics (formerly Invitae), Labcorp
Classification: Uncertain significance for Bloom syndrome. Last evaluated: 2021-08-31. Review status: criteria provided, single submitter. Criteria: Invitae Variant Classification Sherloc (09022015). Collection method: clinical testing. Allele origin: germline.
Comment: This sequence change replaces threonine with alanine at codon 1179 of the BLM protein (p.Thr1179Ala). The threonine residue is weakly conserved and there is a small physicochemical difference between threonine and alanine. This variant is not present in population databases (ExAC no frequency). This variant has not been reported in the literature in individuals affected with BLM-related conditions. Algorithms developed to predict the effect of missense changes on protein structure and function output the following: SIFT: "Tolerated"; PolyPhen-2: "Benign"; Align-GVGD: "Class C0". The alanine amino acid residue is found in multiple mammalian species, which suggests that this missense change does not adversely affect protein function. In summary, the available evidence is currently insufficient to determine the role of this variant in disease. Therefore, it has been classified as a Variant of Uncertain Significance.

NM_000057.4(BLM):c.3535A>G (p.Thr1179Ala)

Gene: BLM (BLM RecQ like helicase; plus strand). Cytogenetic location: 15q26.1.
Variant type: single nucleotide variant.
Coding change: c.3535A>G on transcript NM_000057.4 (MANE Select); coding-DNA position 3535, A replaced by G.
Protein change: p.Thr1179Ala; replaces threonine 1179 with alanine.
Molecular consequence: missense variant. On other transcripts: intron variant (1).
Genome position (GRCh38, 1-based): chr15:90,803,697, A>G. VCF-style: chr15-90803697-A-G. GRCh37 (hg19) VCF-style: chr15-91346927-A-G.
Other names: c.3535A>G, p.Thr1179Ala (NM_001287246.2); c.2410A>G, p.Thr804Ala (NM_001287248.2); c.3358+5360A>G (NM_001287247.2); short protein forms T804A, T1179A.
Identifiers: ClinVar variation 1038089 (VCV001038089.8), dbSNP rs1344786638, ClinGen allele CA393847814.
Genomic context (GRCh38, chr15:90,803,697, plus strand): 5'-TTATATATCAATGCCAATGACCAGGCGATCGCTTATGTGATGCTCGGAAATAAAGCCCAA[A>G]CTGTACTAAATGGCAATTTAAAGGTATAGTATTTTTCATGTTTATTTTATTATCTCACAA-3'
Protein context (NP_000048.1, residues 1169-1189): AYVMLGNKAQ[Thr1179Ala]VLNGNLKVDF